The following is an entry in ClinVar:

NM_020066.5(FMN2):c.2821G>A (p.Gly941Arg)

Gene: FMN2 (formin 2; plus strand). Cytogenetic location: 1q43.
Variant type: single nucleotide variant.
Coding change: c.2821G>A on transcript NM_020066.5 (MANE Select); coding-DNA position 2821, G replaced by A.
Protein change: p.Gly941Arg; replaces glycine 941 with arginine.
Molecular consequence: missense variant. On other transcripts: intron variant (1).
Genome position (GRCh38, 1-based): chr1:240,207,633, G>A. VCF-style: chr1-240207633-G-A. GRCh37 (hg19) VCF-style: chr1-240370933-G-A.
Other names: c.2833G>A, p.Gly945Arg (NM_001305424.2); c.1986+19371G>A (NM_001348094.2); short protein forms G945R, G941R.
Identifiers: ClinVar variation 284983 (VCV000284983.6), dbSNP rs141094573, ClinGen allele CA1476776.

ClinVar aggregate classification (germline): Uncertain significance. Review status: criteria provided, multiple submitters, no conflicts (2 of 4 stars). 2 submissions from 2 submitters: Uncertain significance (2). Last evaluated 2024-01-02.

Allele frequency attached by ClinVar (database versions not stated): gnomAD exomes 0.00019; ExAC 0.00034; 1000 Genomes Project 0.00080; ESP Exome Variant Server 0.00093; gnomAD 0.00110 and 0.00115.

Submissions (2):

Women's Health and Genetics/Laboratory Corporation of America, LabCorp
Classification: Uncertain significance. Last evaluated: 2024-01-02. Review status: criteria provided, single submitter. Criteria: LabCorp Variant Classification Summary - May 2015. Collection method: clinical testing. Allele origin: germline.
Comment: Variant summary: FMN2 c.2821G>A (p.Gly941Arg) results in a non-conservative amino acid change located in the Formin, FH2 domain (IPR015425) of the encoded protein sequence. Three of five in-silico tools predict a benign effect of the variant on protein function. The variant allele was found at a frequency of 0.00019 in 235956 control chromosomes in the gnomAD database, including 1 homozygotes. To our knowledge, no occurrence of c.2821G>A in individuals affected with Intellectual Disability, Autosomal Recessive 47 and no experimental evidence demonstrating its impact on protein function have been reported. One submitter has cited clinical-significance assessments for this variant to ClinVar after 2014 and has classified the variant as uncertain significance. Based on the evidence outlined above, the variant was classified as uncertain significance.

Eurofins Ntd Llc (ga)
Classification: Uncertain significance. Last evaluated: 2015-12-11. Review status: criteria provided, single submitter. Criteria: EGL Classification Definitions 2015. Collection method: clinical testing. Allele origin: germline. Observed: 1 variant allele, 1 heterozygote.